The following is an entry in ClinVar:

ClinVar aggregate classification (germline): Uncertain significance. Review status: criteria provided, multiple submitters, no conflicts (2 of 4 stars). 3 submissions from 3 submitters: Uncertain significance (3). Last evaluated 2024-12-05.

Allele frequency attached by ClinVar (database versions not stated): gnomAD exomes below 0.00001 and 0.00001; ExAC 0.00001; gnomAD 0.00003 and 0.00004; TOPMed 0.00004.
gnomAD v4.1: 10 of 1,613,662 alleles (0.00062%); highest among the groups gnomAD compares: Admixed American, 0.012%; no homozygotes.

Submissions (3):

Ambry Genetics
Classification: Uncertain significance. Last evaluated: 2024-12-05. Review status: criteria provided, single submitter. Criteria: Ambry Variant Classification Scheme 2023. Collection method: clinical testing. Allele origin: germline.

Labcorp Genetics (formerly Invitae), Labcorp
Classification: Uncertain significance. Last evaluated: 2024-10-25. Review status: criteria provided, single submitter. Criteria: Invitae Variant Classification Sherloc (09022015). Collection method: clinical testing. Allele origin: germline.
Comment: This sequence change replaces isoleucine, which is neutral and non-polar, with threonine, which is neutral and polar, at codon 158 of the KIZ protein (p.Ile158Thr). This variant is present in population databases (rs769377970, gnomAD no frequency). This variant has not been reported in the literature in individuals affected with KIZ-related conditions. ClinVar contains an entry for this variant (Variation ID: 1363638). Experimental studies and prediction algorithms are not available or were not evaluated, and the functional significance of this variant is currently unknown. In summary, the available evidence is currently insufficient to determine the role of this variant in disease. Therefore, it has been classified as a Variant of Uncertain Significance.

Blueprint Genetics
Classification: Uncertain significance. Last evaluated: 2022-01-11. Review status: criteria provided, single submitter. Criteria: ACMG Guidelines, 2015. Collection method: clinical testing. Allele origin: germline.

NM_018474.6(KIZ):c.473T>C (p.Ile158Thr)

Gene: KIZ (kizuna centrosomal protein; plus strand). Cytogenetic location: 20p11.23.
Variant type: single nucleotide variant.
Coding change: c.473T>C on transcript NM_018474.6 (MANE Select); coding-DNA position 473, T replaced by C.
Protein change: p.Ile158Thr; replaces isoleucine 158 with threonine.
Molecular consequence: missense variant.
Genome position (GRCh38, 1-based): chr20:21,161,938, T>C. VCF-style: chr20-21161938-T-C. GRCh37 (hg19) VCF-style: chr20-21142579-T-C.
Other names: c.164T>C, p.Ile55Thr (NM_001163022.3, NM_001352435.2); c.74T>C, p.Ile25Thr (NM_001163023.3); c.326T>C, p.Ile109Thr (NM_001276389.2); c.473T>C, p.Ile158Thr (NM_001352434.2); c.131T>C, p.Ile44Thr (NM_001352436.2); c.473T>C (NM_018474.4); short protein forms I109T, I158T, I55T, I44T, I25T.
Identifiers: ClinVar variation 1363638 (VCV001363638.10), dbSNP rs769377970, ClinGen allele CA9784653.